The following is an entry in ClinVar:

NM_005559.4(LAMA1):c.7748C>T (p.Ala2583Val)

Genes: LAMA1 (laminin subunit alpha 1; minus strand), LOC126862685 (BRD4-independent group 4 enhancer GRCh37_chr18:6958646-6959845; plus strand). Cytogenetic location: 18p11.31.
Variant type: single nucleotide variant.
Coding change: c.7748C>T on transcript NM_005559.4 (MANE Select); coding-DNA position 7748, C replaced by T.
Protein change: p.Ala2583Val; replaces alanine 2583 with valine.
Molecular consequence: missense variant.
Genome position (GRCh38, 1-based): chr18:6,959,371, G>A on the plus strand (C>T on the coding strand, the complement: LAMA1 is on the minus strand). VCF-style: chr18-6959371-G-A. GRCh37 (hg19) VCF-style: chr18-6959370-G-A.
Other names: c.7748C>T (NM_005559.3); short protein forms A2583V.
Identifiers: ClinVar variation 1370338 (VCV001370338.11), dbSNP rs141247075, ClinGen allele CA8880800.

ClinVar aggregate classification (germline): Uncertain significance. Review status: criteria provided, multiple submitters, no conflicts (2 of 4 stars). 3 submissions from 3 submitters: Uncertain significance (3). Last evaluated 2024-04-17.

Conditions:
Inborn genetic diseases. Identifiers: MedGen C0950123, MeSH D030342.

Allele frequency attached by ClinVar (database versions not stated): ESP Exome Variant Server 0.00008.
gnomAD v4.1: 101 of 1,614,012 alleles (0.0063%); highest among the groups gnomAD compares: South Asian, 0.011%; no homozygotes.

Submissions (3):

Blueprint Genetics
Classification: Uncertain significance. Last evaluated: 2024-04-17. Review status: criteria provided, single submitter. Criteria: ACMG Guidelines, 2015. Collection method: clinical testing. Allele origin: germline.

Ambry Genetics
Classification: Uncertain significance for Inborn genetic diseases. Last evaluated: 2023-08-21. Review status: criteria provided, single submitter. Criteria: Ambry Variant Classification Scheme 2023. Collection method: clinical testing. Allele origin: germline.

Labcorp Genetics (formerly Invitae), Labcorp
Classification: Uncertain significance. Last evaluated: 2021-08-02. Review status: criteria provided, single submitter. Criteria: Invitae Variant Classification Sherloc (09022015). Collection method: clinical testing. Allele origin: germline.
Comment: In summary, the available evidence is currently insufficient to determine the role of this variant in disease. Therefore, it has been classified as a Variant of Uncertain Significance. Algorithms developed to predict the effect of missense changes on protein structure and function (SIFT, PolyPhen-2, Align-GVGD) all suggest that this variant is likely to be tolerated. This variant has not been reported in the literature in individuals affected with LAMA1-related conditions. This variant is present in population databases (rs141247075, ExAC 0.03%). This sequence change replaces alanine with valine at codon 2583 of the LAMA1 protein (p.Ala2583Val). The alanine residue is weakly conserved and there is a small physicochemical difference between alanine and valine.